The following is an entry in ClinVar:

ClinVar aggregate classification (germline): Uncertain significance (1 of 4 stars; one submission).

Conditions:
Glucose-6-phosphate transport defect (GSD1B). Also called: Glycogen Storage Disease Type Ib; GSD Ib. Identifiers: Orphanet 364, Orphanet 79259, MedGen C0268146, MONDO:0009288, OMIM 232220.

Submission:

Labcorp Genetics (formerly Invitae), Labcorp
Classification: Uncertain significance for Glucose-6-phosphate transport defect. Last evaluated: 2022-08-09. Review status: criteria provided, single submitter. Criteria: Invitae Variant Classification Sherloc (09022015). Collection method: clinical testing. Allele origin: germline.
Comment: This sequence change replaces valine, which is neutral and non-polar, with glycine, which is neutral and non-polar, at codon 275 of the SLC37A4 protein (p.Val275Gly). This variant is not present in population databases (gnomAD no frequency). This variant has not been reported in the literature in individuals affected with SLC37A4-related conditions. ClinVar contains an entry for this variant (Variation ID: 1397113). Experimental studies and prediction algorithms are not available or were not evaluated, and the functional significance of this variant is currently unknown. In summary, the available evidence is currently insufficient to determine the role of this variant in disease. Therefore, it has been classified as a Variant of Uncertain Significance.

NM_001164277.2(SLC37A4):c.824T>G (p.Val275Gly)

Gene: SLC37A4 (solute carrier family 37 member 4; minus strand). Cytogenetic location: 11q23.3.
Variant type: single nucleotide variant.
Coding change: c.824T>G on transcript NM_001164277.2 (MANE Select); coding-DNA position 824, T replaced by G.
Protein change: p.Val275Gly; replaces valine 275 with glycine.
Molecular consequence: missense variant.
Genome position (GRCh38, 1-based): chr11:119,026,649, A>C on the plus strand (T>G on the coding strand, the complement: SLC37A4 is on the minus strand). VCF-style: chr11-119026649-A-C. GRCh37 (hg19) VCF-style: chr11-118897359-A-C.
Other names: c.824T>G, p.Val275Gly (NM_001164278.2, NM_001164280.2, NM_001467.6); c.605T>G, p.Val202Gly (NM_001164279.2); short protein forms V202G, V275G.
Identifiers: ClinVar variation 1397113 (VCV001397113.6), dbSNP rs2134633732, ClinGen allele CA382900287.
Genomic context (GRCh38, chr11:119,026,649, plus strand): 5'-TTCTGCCCGCTCACCTTTGCCATGGCCCGGTCTGACAGGTAGCCAGCTGCGATGCTGCCT[A>C]CAAGGCCCCCAACTTCCAGGGCACTCATGTAGGAGCTACCTGCAGTAGGGAGTTGTGGTG-3'
Protein context (NP_001157749.1, residues 265-285): YMSALEVGGL[Val275Gly]GSIAAGYLSD